The following is an entry in ClinVar:

ClinVar aggregate classification (germline): Uncertain significance (1 of 4 stars; one submission).

Submission:

Greenwood Genetic Center Diagnostic Laboratories, Greenwood Genetic Center
Classification: Uncertain significance. Last evaluated: 2025-12-02. Review status: criteria provided, single submitter. Criteria: ACMG Guidelines, 2015. Collection method: clinical testing. Allele origin: germline. Affected: yes.
Comment: PM2, BP4

NM_001042424.3(NSD2):c.1881+285A>G

Gene: NSD2 (nuclear receptor binding SET domain protein 2; plus strand). Cytogenetic location: 4p16.3.
Variant type: single nucleotide variant.
Coding change: c.1881+285A>G on transcript NM_001042424.3 (MANE Select); 285 bases into the intron after coding-DNA position 1881, A replaced by G.
Molecular consequence: intron variant. On other transcripts: 3 prime UTR variant (1).
Genome position (GRCh38, 1-based): chr4:1,940,063, A>G. VCF-style: chr4-1940063-A-G. GRCh37 (hg19) VCF-style: chr4-1941790-A-G.
Other names: c.*276A>G (NM_007331.2); c.1881+285A>G (NM_001440892.1, NM_001440894.1, NM_001440895.1 and 5 more transcripts); c.1980+285A>G (NM_001440893.1); c.912+285A>G (NM_001440900.1, NM_001440899.1); c.1674+4801A>G (NM_001440897.1, NM_001440898.1).
Identifiers: ClinVar variation 4845500 (VCV004845500.1).
Genomic context (GRCh38, chr4:1,940,063, plus strand): 5'-TGTACATGTACAGATATACTTCAGTCTTGATGCAGTTTCATAGTTCTTAAAATCTGTCTG[A>G]AGAATGTTGTGTTCTGTGTAGCCCTCACACTGTAAGAGTTCACATGGAAGTAAGTCTGCG-3'